The following is an entry in ClinVar:

ClinVar aggregate classification (germline): Pathogenic (1 of 4 stars; one submission).

Conditions:
Bardet-Biedl syndrome (BBS). Identifiers: Orphanet 110, MedGen C0752166, MONDO:0015229.

Submission:

Labcorp Genetics (formerly Invitae), Labcorp
Classification: Pathogenic for Bardet-Biedl syndrome. Last evaluated: 2020-10-14. Review status: criteria provided, single submitter. Criteria: Invitae Variant Classification Sherloc (09022015). Collection method: clinical testing. Allele origin: germline.
Comment: This sequence change creates a premature translational stop signal (p.Ser407Valfs*4) in the BBS2 gene. It is expected to result in an absent or disrupted protein product. This variant is not present in population databases (ExAC no frequency). This variant has not been reported in the literature in individuals with BBS2-related conditions. Loss-of-function variants in BBS2 are known to be pathogenic (PMID: 11285252, 20177705, 24608809, 26518167). For these reasons, this variant has been classified as Pathogenic.

Literature cited by the submitters: PubMed 11285252; PubMed 20177705; PubMed 24608809; PubMed 26518167.

NM_031885.5(BBS2):c.1218_1219insGTAATGG (p.Ser407fs)

Gene: BBS2 (Bardet-Biedl syndrome 2; minus strand). Cytogenetic location: 16q13.
Variant type: Insertion.
Coding change: c.1218_1219insGTAATGG on transcript NM_031885.5 (MANE Select); coding-DNA positions 1218 to 1219, GTAATGG inserted.
Protein change: p.Ser407fs; shifts the reading frame from serine 407.
Molecular consequence: frameshift variant. On other transcripts: non-coding transcript variant (5).
Genome position: GRCh38 VCF-style: chr16-56501359-A-ACCATTAC. GRCh37 (hg19) VCF-style: chr16-56535271-A-ACCATTAC.
Other names: c.1218_1219insGTAATGG, p.Ser407fs (NM_001377456.1); short protein forms S407fs.
Identifiers: ClinVar variation 1075893 (VCV001075893.7), dbSNP rs2144145120, ClinGen allele CA2499223568.